The following is an entry in ClinVar:

ClinVar aggregate classification (germline): Uncertain significance (1 of 4 stars; one submission).

gnomAD v4.1: 11 of 1,613,682 alleles (0.00068%); highest among the groups gnomAD compares: Admixed American, 0.018%; no homozygotes.

Submission:

CeGaT Center for Human Genetics Tuebingen
Classification: Uncertain significance. Last evaluated: 2026-06-01. Review status: criteria provided, single submitter. Criteria: CeGaT Center For Human Genetics Tuebingen Variant Classification Criteria Version 2. Collection method: clinical testing. Allele origin: germline. Affected: yes. Observed: 1 variant allele.
Comment: GBF1: PM2:Supporting, BP4

NM_001377137.1(GBF1):c.4091G>T (p.Arg1364Leu)

Gene: GBF1 (golgi brefeldin A resistant guanine nucleotide exchange factor 1; plus strand). Cytogenetic location: 10q24.32.
Variant type: single nucleotide variant.
Coding change: c.4091G>T on transcript NM_001377137.1 (MANE Select); coding-DNA position 4091, G replaced by T.
Protein change: p.Arg1364Leu; replaces arginine 1364 with leucine.
Molecular consequence: missense variant. On other transcripts: non-coding transcript variant (5).
Genome position (GRCh38, 1-based): chr10:102,376,603, G>T. VCF-style: chr10-102376603-G-T. GRCh37 (hg19) VCF-style: chr10-104136360-G-T.
Other names: c.4091G>T, p.Arg1364Leu (NM_001199378.2, NM_001391923.1); c.4088G>T, p.Arg1363Leu (NM_001199379.2, NM_001377141.1, NM_001391924.1 and 3 more transcripts); c.4052G>T, p.Arg1351Leu (NM_001377138.1, NM_001391925.1); c.3794G>T, p.Arg1265Leu (NM_001377139.1, NM_001377140.1); c.4187G>T, p.Arg1396Leu (NM_001391922.1, NM_001411027.1); c.4055G>T, p.Arg1352Leu (NM_001391926.1); c.3947G>T, p.Arg1316Leu (NM_001391928.1); c.3851G>T, p.Arg1284Leu (NM_001391929.1); and 2 more; short protein forms R1237L, R1265L, R1284L, R1316L, R1351L, R1352L, R1363L, R1364L.
Identifiers: ClinVar variation 4874027 (VCV004874027.2).
Genomic context (GRCh38, chr10:102,376,603, plus strand): 5'-CTCTGTGTACTTTACAGGTTGGGAAGGATGACGTTGATAACTCCAAGCCAGGGCCCAGCC[G>T]CCCAGGCCCTTCACCCCTGATCAATCAATACAGCCTAACAGTGGGACTGGATTTGGGGCC-3'
Protein context (NP_001364066.1, residues 1354-1374): DVDNSKPGPS[Arg1364Leu]PGPSPLINQY